The following is an entry in ClinVar:

NM_001083619.3(GRIA2):c.650A>G (p.Asn217Ser)

Gene: GRIA2 (glutamate ionotropic receptor AMPA type subunit 2; plus strand). Cytogenetic location: 4q32.1.
Variant type: single nucleotide variant.
Coding change: c.650A>G on transcript NM_001083619.3 (MANE Select); coding-DNA position 650, A replaced by G.
Protein change: p.Asn217Ser; replaces asparagine 217 with serine.
Molecular consequence: missense variant.
Genome position (GRCh38, 1-based): chr4:157,312,859, A>G. VCF-style: chr4-157312859-A-G. GRCh37 (hg19) VCF-style: chr4-158234011-A-G.
Other names: c.650A>G, p.Asn217Ser (NM_000826.6); c.509A>G, p.Asn170Ser (NM_001083620.3, NM_001379000.3, NM_001379001.3); short protein forms N170S, N217S.
Identifiers: ClinVar variation 3776589 (VCV003776589.1).

ClinVar aggregate classification (germline): Uncertain significance (1 of 4 stars; one submission).

Submission:

GeneDx
Classification: Uncertain significance. Last evaluated: 2024-10-04. Review status: criteria provided, single submitter. Criteria: GeneDx Variant Classification Process June 2021. Collection method: clinical testing. Allele origin: germline. Affected: yes.
Comment: Not observed at significant frequency in large population cohorts (gnomAD); In silico analysis supports that this missense variant has a deleterious effect on protein structure/function; In silico analysis supports a deleterious effect on splicing; Has not been previously published as pathogenic or benign to our knowledge